The following is an entry in ClinVar:

ClinVar aggregate classification (germline): Uncertain significance (1 of 4 stars; one submission).

Submission:

Labcorp Genetics (formerly Invitae), Labcorp
Classification: Uncertain significance. Last evaluated: 2023-11-27. Review status: criteria provided, single submitter. Criteria: Invitae Variant Classification Sherloc (09022015). Collection method: clinical testing. Allele origin: germline.
Comment: This sequence change replaces isoleucine, which is neutral and non-polar, with alanine, which is neutral and non-polar, at codon 1605 of the EYS protein (p.Ile1605Ala). This variant is present in population databases (no rsID available, gnomAD 0.0007%). This variant has not been reported in the literature in individuals affected with EYS-related conditions. ClinVar contains an entry for this variant (Variation ID: 1415779). An algorithm developed to predict the effect of missense changes on protein structure and function (PolyPhen-2) suggests that this variant is likely to be disruptive. In summary, the available evidence is currently insufficient to determine the role of this variant in disease. Therefore, it has been classified as a Variant of Uncertain Significance.

NM_001142800.2(EYS):c.4813_4814delinsGC (p.Ile1605Ala)

Gene: EYS (EGF-like photoreceptor maintenance factor; minus strand). Cytogenetic location: 6q12.
Variant type: Indel.
Coding change: c.4813_4814delinsGC on transcript NM_001142800.2 (MANE Select); coding-DNA positions 4813 to 4814, AT replaced by GC.
Protein change: p.Ile1605Ala; replaces isoleucine 1605 with alanine.
Molecular consequence: missense variant.
Genome position (GRCh38, 1-based): chr6:64,591,053-64,591,054, AT replaced by GC on the plus strand (AT replaced by GC on the coding strand, the reverse complement: EYS is on the minus strand). VCF-style: chr6-64591053-AT-GC. GRCh37 (hg19) VCF-style: chr6-65300946-AT-GC.
Other names: c.4813_4814delinsGC, p.Ile1605Ala (NM_001292009.2); short protein forms I1605A.
Identifiers: ClinVar variation 1415779 (VCV001415779.6), dbSNP rs2149831817, ClinGen allele CA2573141007.